The following is an entry in ClinVar:

ClinVar aggregate classification (germline): Uncertain significance (1 of 4 stars; one submission).

Conditions:
Hypertrophic cardiomyopathy 19. Also called: Familial hypertrophic cardiomyopathy 19. Identifiers: MedGen CN077603, MONDO:0013476.

Submission:

Labcorp Genetics (formerly Invitae), Labcorp
Classification: Uncertain significance for Hypertrophic cardiomyopathy 19. Last evaluated: 2025-02-13. Review status: criteria provided, single submitter. Criteria: Invitae Variant Classification Sherloc (09022015). Collection method: clinical testing. Allele origin: germline.
Comment: This sequence change creates a premature translational stop signal (p.Asp140Ilefs*21) in the CALR3 gene. It is expected to result in an absent or disrupted protein product. However, the current clinical and genetic evidence is not sufficient to establish whether loss-of-function variants in CALR3 cause disease. This variant is not present in population databases (gnomAD no frequency). This variant has not been reported in the literature in individuals affected with CALR3-related conditions. Algorithms developed to predict the effect of sequence changes on RNA splicing suggest that this variant may disrupt the consensus splice site. In summary, the available evidence is currently insufficient to determine the role of this variant in disease. Therefore, it has been classified as a Variant of Uncertain Significance.

NM_145046.5(CALR3):c.418del (p.Asp140fs)

Gene: CALR3 (calreticulin 3; minus strand). Cytogenetic location: 19p13.11.
Variant type: Deletion.
Coding change: c.418del on transcript NM_145046.5 (MANE Select); coding-DNA position 418, one base deleted (G; older notation c.418delG).
Protein change: p.Asp140fs; shifts the reading frame from aspartic acid 140.
Molecular consequence: frameshift variant.
Genome position (GRCh38, 1-based): chr19:16,485,237, C deleted on the plus strand (G on the coding strand, the reverse complement: CALR3 is on the minus strand). VCF-style (leftmost placement, unchanged base first): chr19-16485236-TC-T. GRCh37 (hg19) VCF-style: chr19-16596047-TC-T.
Other names: short protein forms D140fs.
Identifiers: ClinVar variation 4771262 (VCV004771262.1).